The following is an entry in ClinVar:

ClinVar aggregate classification (germline): Conflicting classifications of pathogenicity. Review status: criteria provided, conflicting classifications (1 of 4 stars). 3 submissions from 3 submitters: Uncertain significance (2); Likely benign (1). Last evaluated 2026-10-24.

Conditions:
Hypertrophic cardiomyopathy 9. Also called: Familial hypertrophic cardiomyopathy 9. Identifiers: MedGen C1861065, MONDO:0013412, OMIM 613765.
Tibial muscular dystrophy (TMD). Also called: Udd Distal Myopathy – Tibial Muscular Dystrophy; Tibial muscular dystrophy, tardive; UDD MYOPATHY. Identifiers: Orphanet 609, MedGen C1838244, MONDO:0010870, OMIM 600334.
Autosomal recessive limb-girdle muscular dystrophy type 2J (LGMDR10). Also called: MUSCULAR DYSTROPHY, LIMB-GIRDLE, AUTOSOMAL RECESSIVE 10; Limb-girdle muscular dystrophy, type 2J. Identifiers: Orphanet 140922, MedGen C1837342, MONDO:0012127, OMIM 608807.
Early-onset myopathy with fatal cardiomyopathy (CMYO5). Also called: CONGENITAL MYOPATHY 5 WITH CARDIOMYOPATHY; Salih Myopathy. Identifiers: Orphanet 289377, MedGen C2673677, MONDO:0012714, OMIM 611705. Disease mechanism: loss of function.
Myopathy, myofibrillar, 9, with early respiratory failure (MFM9). Also called: Myopathy, distal, with early respiratory failure, autosomal dominant; Hereditary myopathy with early respiratory failure; EDSTROM MYOPATHY; MYOPATHY, PROXIMAL, WITH EARLY RESPIRATORY MUSCLE INVOLVEMENT. Identifiers: Orphanet 178464, Orphanet 34521, MedGen C1863599, MONDO:0011362, OMIM 603689.
Dilated cardiomyopathy 1G (CMD1G). Identifiers: Orphanet 154, MedGen C1858763, MONDO:0011400, OMIM 604145.

Allele frequency attached by ClinVar (database versions not stated): gnomAD 0.00001; TOPMed 0.00001; gnomAD exomes below 0.00001.
gnomAD v4.1: 6 of 1,613,518 alleles (0.00037%); highest among the groups gnomAD compares: African/African-American, 0.0027%; no homozygotes.

Submissions (3):

GeneDx
Classification: Uncertain significance. Last evaluated: 2026-10-24. Review status: criteria provided, single submitter. Criteria: GeneDx Variant Classification Process June 2021. Collection method: clinical testing. Allele origin: germline.
Comment: Not observed at significant frequency in large population cohorts (gnomAD); Missense variant in a gene in which most reported pathogenic variants are truncating/loss of function; This variant is associated with the following publications: (PMID: 29435569, 32039858, 39674365)

Women's Health and Genetics/Laboratory Corporation of America, LabCorp
Classification: Likely benign. Last evaluated: 2022-01-10. Review status: criteria provided, single submitter. Criteria: LabCorp Variant Classification Summary - May 2015. Collection method: clinical testing. Allele origin: germline.
Comment: Variant summary: TTN c.92881T>C (p.Trp30961Arg) results in a non-conservative amino acid change located in the A-band of the encoded protein sequence. Five of five in-silico tools predict a damaging effect of the variant on protein function. The variant was absent in 247972 control chromosomes. The available data on variant occurrences in the general population are insufficient to allow any conclusion about variant significance. c.92881T>C has been reported in the literature in individuals affected with a spectrum of inherited skeletal muscle diseases, two of them also carrying nonsense variants (phase unknown; Savarese_TTN_JMD_2020). This report does not provide unequivocal conclusions about association of the variant with Dilated Cardiomyopathy, but suggests the variant may be benign. To our knowledge, no experimental evidence demonstrating an impact on protein function has been reported. No clinical diagnostic laboratories have submitted clinical-significance assessments for this variant to ClinVar after 2014. Based on the evidence outlined above, the variant was classified as likely benign.

Department of Pathology and Laboratory Medicine, Sinai Health System
Classification: Uncertain significance for Tibial muscular dystrophy; Autosomal recessive limb-girdle muscular dystrophy type 2J; Dilated cardiomyopathy 1G; Early-onset myopathy with fatal cardiomyopathy; Myopathy, myofibrillar, 9, with early respiratory failure; Hypertrophic cardiomyopathy 9. Last evaluated: 2021-12-15. Review status: criteria provided, single submitter. Criteria: ACMG Guidelines, 2015. Collection method: research. Allele origin: germline.

Literature cited by the submitters: PubMed 32039858 (cited by Women's Health and Genetics/Laboratory Corporation of America, LabCorp).

NM_001267550.2(TTN):c.100585T>C (p.Trp33529Arg)

Genes: TTN (titin; minus strand), TTN-AS1 (TTN antisense RNA 1; plus strand). Cytogenetic location: 2q31.2.
Variant type: single nucleotide variant.
Coding change: c.100585T>C on transcript NM_001267550.2 (MANE Select); coding-DNA position 100585, T replaced by C.
Protein change: p.Trp33529Arg; replaces tryptophan 33529 with arginine.
Molecular consequence: missense variant.
Genome position (GRCh38, 1-based): chr2:178,536,162, A>G on the plus strand (T>C on the coding strand, the complement: TTN is on the minus strand). VCF-style: chr2-178536162-A-G. GRCh37 (hg19) VCF-style: chr2-179400889-A-G.
Other names: c.95662T>C, p.Trp31888Arg (NM_001256850.1); c.73390T>C, p.Trp24464Arg (NM_003319.4); c.92881T>C, p.Trp30961Arg (NM_133378.4); c.73765T>C, p.Trp24589Arg (NM_133432.3); c.73966T>C, p.Trp24656Arg (NM_133437.4); c.100585T>C (NM_001267550.1); short protein forms W24464R, W24589R, W24656R, W30961R, W31888R, W33529R.
Identifiers: ClinVar variation 1339675 (VCV001339675.5), dbSNP rs998397847, ClinGen allele CA60960675.
Genomic context (GRCh38, chr2:178,536,162, plus strand): 5'-TAAATTCTTGAATCCTATATTTTAATCCATCTGCAATGATTTCTTTGCCTTGTCTGTACC[A>G]TTTGACGATAGGTTTTGGATGACCAGTCACTTTGCAGACCAAGGTAGCATTGCTCTGATA-3'
Protein context (NP_001254479.2, residues 33519-33539): VTGHPKPIVK[Trp33529Arg]YRQGKEIIAD